The following is an entry in ClinVar:

ClinVar aggregate classification (germline): Uncertain significance (1 of 4 stars; one submission).

Conditions:
Osteogenesis imperfecta type I (OI1). Also called: OI, TYPE I; OSTEOGENESIS IMPERFECTA TARDA; OSTEOGENESIS IMPERFECTA WITH BLUE SCLERAE; Osteogenesis imperfecta type 1; Classic Non-deforming Osteogenesis Imperfecta with Blue Sclerae; Lobstein's Disease. Identifiers: Orphanet 216796, Orphanet 666, MedGen C0023931, MONDO:0008146, OMIM 166200. Disease mechanism: loss of function.
Ehlers-Danlos syndrome, classic type, 1 (EDSCL1). Also called: EDS I; EHLERS-DANLOS SYNDROME, GRAVIS TYPE; EHLERS-DANLOS SYNDROME, SEVERE CLASSIC TYPE; Ehlers-Danlos Syndrome, Classic Type, COL5A1-Related; Ehlers-Danlos syndrome, type 1. Identifiers: MedGen C0268335, MONDO:0019567, OMIM 130000.

gnomAD v4.1: 2 of 1,614,160 alleles (0.00012%); highest among the groups gnomAD compares: Non-Finnish European, 0.00017%; no homozygotes.

Submission:

Labcorp Genetics (formerly Invitae), Labcorp
Classification: Uncertain significance for Osteogenesis imperfecta type I; Ehlers-Danlos syndrome, classic type, 1. Last evaluated: 2018-09-03. Review status: criteria provided, single submitter. Criteria: Invitae Variant Classification Sherloc (09022015). Collection method: clinical testing. Allele origin: germline.
Comment: Algorithms developed to predict the effect of missense changes on protein structure and function are either unavailable or do not agree on the potential impact of this missense change (SIFT: "Deleterious"; PolyPhen-2: "Possibly Damaging"; Align-GVGD: "Class C15"). This sequence change replaces isoleucine with phenylalanine at codon 492 of the COL1A2 protein (p.Ile492Phe). The isoleucine residue is highly conserved and there is a small physicochemical difference between isoleucine and phenylalanine. This variant is not present in population databases (ExAC no frequency). This variant has not been reported in the literature in individuals with COL1A2-related disease. In summary, the available evidence is currently insufficient to determine the role of this variant in disease. Therefore, it has been classified as a Variant of Uncertain Significance.

NM_000089.4(COL1A2):c.1474A>T (p.Ile492Phe)

Gene: COL1A2 (collagen type I alpha 2 chain; plus strand). Cytogenetic location: 7q21.3.
Variant type: single nucleotide variant.
Coding change: c.1474A>T on transcript NM_000089.4 (MANE Select); coding-DNA position 1474, A replaced by T.
Protein change: p.Ile492Phe; replaces isoleucine 492 with phenylalanine.
Molecular consequence: missense variant.
Genome position (GRCh38, 1-based): chr7:94,412,653, A>T. VCF-style: chr7-94412653-A-T. GRCh37 (hg19) VCF-style: chr7-94041965-A-T.
Other names: short protein forms I492F.
Identifiers: ClinVar variation 642620 (VCV000642620.10), dbSNP rs776551401, ClinGen allele CA368221919.